The following is an entry in ClinVar:

NM_001854.4(COL11A1):c.475A>G (p.Ile159Val)

Gene: COL11A1 (collagen type XI alpha 1 chain; minus strand). Cytogenetic location: 1p21.1.
Variant type: single nucleotide variant.
Coding change: c.475A>G on transcript NM_001854.4 (MANE Select); coding-DNA position 475, A replaced by G.
Protein change: p.Ile159Val; replaces isoleucine 159 with valine.
Molecular consequence: missense variant. On other transcripts: non-coding transcript variant (1).
Genome position (GRCh38, 1-based): chr1:103,078,671, T>C on the plus strand (A>G on the coding strand, the complement: COL11A1 is on the minus strand). VCF-style: chr1-103078671-T-C. GRCh37 (hg19) VCF-style: chr1-103544227-T-C.
Other names: c.475A>G, p.Ile159Val (NM_001190709.2, NM_080629.3, NM_080630.4); short protein forms I159V.
Identifiers: ClinVar variation 1204167 (VCV001204167.9), dbSNP rs774693614, ClinGen allele CA975456.

ClinVar aggregate classification (germline): Conflicting classifications of pathogenicity. Review status: criteria provided, conflicting classifications (1 of 4 stars). 2 submissions from 2 submitters: Uncertain significance (1); Benign (1). Last evaluated 2025-10-27.

Allele frequency attached by ClinVar (database versions not stated): ExAC 0.00001; gnomAD exomes 0.00002.
gnomAD v4.1: 11 of 1,613,178 alleles (0.00068%); highest among the groups gnomAD compares: East Asian, 0.025%; no homozygotes.

Submissions (2):

Labcorp Genetics (formerly Invitae), Labcorp
Classification: Benign. Last evaluated: 2025-10-27. Review status: criteria provided, single submitter. Criteria: Invitae Variant Classification Sherloc (09022015). Collection method: clinical testing. Allele origin: germline.

GeneDx
Classification: Uncertain significance. Last evaluated: 2020-12-22. Review status: criteria provided, single submitter. Criteria: GeneDx Variant Classification Process June 2021. Collection method: clinical testing. Allele origin: germline. Affected: yes.
Comment: In silico analysis, which includes protein predictors and evolutionary conservation, supports that this variant does not alter protein structure/function; Not located in the triple helical region, where the majority of pathogenic missense variants occur (Acke et al., 2014; Stenson et al., 2014); Has not been previously published as pathogenic or benign to our knowledge